The following is an entry in ClinVar:

ClinVar aggregate classification (germline): Likely benign (1 of 4 stars; one submission).

Allele frequency attached by ClinVar (database versions not stated): gnomAD 0.00004; TOPMed 0.00004; gnomAD exomes 0.00013; ExAC 0.00021; 1000 Genomes Project 30x 0.00047; 1000 Genomes Project 0.00060.
gnomAD v4.1: 213 of 1,613,562 alleles (0.013%); highest among the groups gnomAD compares: South Asian, 0.11%; 1 homozygote.

Submission:

CeGaT Center for Human Genetics Tuebingen
Classification: Likely benign. Last evaluated: 2022-04-01. Review status: criteria provided, single submitter. Criteria: CeGaT Center For Human Genetics Tuebingen Variant Classification Criteria Version 2. Collection method: clinical testing. Allele origin: germline. Affected: yes. Observed: 1 variant allele.
Comment: OR6Q1: BP4, BP7

NM_001005186.2(OR6Q1):c.915G>T (p.Leu305=)

Genes: OR6Q1 (olfactory receptor family 6 subfamily Q member 1; plus strand), OR9Q1 (olfactory receptor family 9 subfamily Q member 1; plus strand). Cytogenetic location: 11q12.1.
Variant type: single nucleotide variant.
Coding change: c.915G>T on transcript NM_001005186.2 (MANE Select); coding-DNA position 915, G replaced by T.
Protein change: p.Leu305=; no amino-acid change (leucine 305 retained).
Molecular consequence: synonymous variant. On other transcripts: intron variant (1).
Genome position (GRCh38, 1-based): chr11:58,031,867, G>T. VCF-style: chr11-58031867-G-T. GRCh37 (hg19) VCF-style: chr11-57799339-G-T.
Other names: c.-93+7763G>T (NM_001005212.4).
Identifiers: ClinVar variation 2641801 (VCV002641801.24), dbSNP rs541487535, ClinGen allele CA6011053.
Genomic context (GRCh38, chr11:58,031,867, plus strand): 5'-CACGCCCATGCTCAATCCTCTCATCTACAGTCTTAGGAACAAGGAAGTGAAGGGAGCTCT[G>T]GGTCGAGTCTTTTCTCTCAACTTTTGGAAGGGACAGTGAGGAGGCAGGTGGGAACCCAGT-3'
Protein context (NP_001005186.2, residues 295-315): SLRNKEVKGA[Leu305=]GRVFSLNFWK